The following is an entry in ClinVar:

ClinVar aggregate classification (germline): Uncertain significance (1 of 4 stars; one submission).

Conditions:
Hereditary cancer-predisposing syndrome. Also called: Neoplastic Syndromes, Hereditary; Tumor predisposition; Hereditary Cancer Syndrome; Hereditary neoplastic syndrome. Identifiers: Orphanet 140162, MedGen C0027672, MeSH D009386, MONDO:0015356.

Submission:

Ambry Genetics
Classification: Uncertain significance for Hereditary cancer-predisposing syndrome. Last evaluated: 2026-06-03. Review status: criteria provided, single submitter. Criteria: Ambry Variant Classification Scheme 2023. Collection method: clinical testing. Allele origin: germline.
Comment: The c.67_72dupTCCCCT variant (also known as p.S23_P24dup), located in coding exon 1 of the SMARCA4 gene, results from an in-frame duplication of TCCCCT at nucleotide positions 67 to 72. This results in the duplication of 2 extra residues (SP) between codons 23 and 24. This amino acid region is highly conserved in available vertebrate species. In addition, this variant is predicted to be neutral by in silico analysis (Choi Y et al. PLoS ONE. 2012; 7(10):e46688). Based on the available evidence, the clinical significance of this variant remains unclear.

NM_003072.5(SMARCA4):c.67_72dup (p.Pro24_Gly25insSerPro)

Gene: SMARCA4 (SWI/SNF related BAF chromatin remodeling complex subunit ATPase 4; plus strand). Cytogenetic location: 19p13.2.
Variant type: Duplication.
Coding change: c.67_72dup on transcript NM_003072.5 (MANE Select); coding-DNA positions 67 to 72, 6 bases duplicated (TCCCCT; older notation c.67_72dupTCCCCT).
Protein change: p.Pro24_Gly25insSerPro.
Molecular consequence: inframe insertion. On other transcripts: non-coding transcript variant (1).
Genome position (GRCh38, 1-based): chr19:10,984,218-10,984,223, TCCCCT duplicated; duplicating any 6 consecutive bases within chr19:10,984,214-10,984,223 gives the same sequence; the c. name uses the placement nearest the transcript's 3' end. VCF-style (leftmost placement, unchanged base first): chr19-10984213-G-GCCCTTC. GRCh37 (hg19) VCF-style: chr19-11094889-G-GCCCTTC.
Other names: c.67_72dup, p.Pro24_Gly25insSerPro (NM_001128844.3, NM_001128845.2, NM_001128846.2 and 6 more transcripts).
Identifiers: ClinVar variation 4864794 (VCV004864794.1).